The following is an entry in ClinVar:

ClinVar aggregate classification (germline): Pathogenic (1 of 4 stars; one submission).

Conditions:
Perlman syndrome (PRLMNS). Identifiers: Orphanet 2849, MedGen C0796113, MONDO:0009965, OMIM 267000.

Submission:

Labcorp Genetics (formerly Invitae), Labcorp
Classification: Pathogenic for Perlman syndrome. Last evaluated: 2023-07-17. Review status: criteria provided, single submitter. Criteria: Invitae Variant Classification Sherloc (09022015). Collection method: clinical testing. Allele origin: germline.
Comment: This variant is a gross deletion of the genomic region encompassing exon(s) 11-13 of the DIS3L2 gene. This deletion is out-of-frame, and is expected to create a premature termination codon and result in an absent or disrupted protein product. Loss-of-function variants in DIS3L2 are known to be pathogenic (PMID: 22306653, 28328139). This variant has not been reported in the literature in individuals affected with DIS3L2-related conditions. For these reasons, this variant has been classified as Pathogenic.

Literature cited by the submitters: PubMed 22306653; PubMed 28328139.

NC_000002.11:g.(?_233103233)_(233128160_?)del

Gene: DIS3L2 (DIS3 like 3'-5' exoribonuclease 2; plus strand). Cytogenetic location: 2q37.1.
Variant type: Deletion.
Identifiers: ClinVar variation 2427365 (VCV002427365.4).